The following is an entry in ClinVar:

NM_138694.4(PKHD1):c.11261del (p.Val3754fs)

Gene: PKHD1 (PKHD1 ciliary IPT domain containing fibrocystin/polyductin; minus strand). Cytogenetic location: 6p12.3.
Variant type: Deletion.
Coding change: c.11261del on transcript NM_138694.4 (MANE Select); coding-DNA position 11261, one base deleted (T; older notation c.11261delT).
Protein change: p.Val3754fs; shifts the reading frame from valine 3754.
Molecular consequence: frameshift variant.
Genome position (GRCh38, 1-based): chr6:51,649,134, A deleted on the plus strand (T on the coding strand, the reverse complement: PKHD1 is on the minus strand). VCF-style (leftmost placement, unchanged base first): chr6-51649133-CA-C. GRCh37 (hg19) VCF-style: chr6-51513931-CA-C.
Other names: short protein forms V3754fs.
Identifiers: ClinVar variation 4816548 (VCV004816548.1).

ClinVar aggregate classification (germline): Likely pathogenic (1 of 4 stars; one submission).

Conditions:
Autosomal recessive polycystic kidney disease (ARPKD). Also called: AR polycystic kidney disease. Identifiers: Orphanet 731, Orphanet 8378, MedGen C0085548, MeSH D017044, MONDO:0009889.

Submission:

Natera, Inc.
Classification: Likely pathogenic for Autosomal recessive polycystic kidney disease. Last evaluated: 2025-12-30. Review status: criteria provided, single submitter. Criteria: Natera Variant Classification Schema (03/2026). Collection method: clinical testing. Allele origin: germline.
Comment: The c.11261del variant in PKHD1 is a frameshift variant predicted to shift the reading frame beginning at codon 3754 and leads to a stop codon 21 codons downstream. This variant is expected to result in nonsense mediated decay, truncation, or a dysfunctional protein product. This variant is rare in the general population with a frequency below the threshold expected for the associated phenotype(s). Given the available evidence, this variant is classified as Likely Pathogenic.